The following is an entry in ClinVar:

NM_001903.5(CTNNA1):c.2691C>T (p.Leu897=)

Gene: CTNNA1 (catenin alpha 1; plus strand). Cytogenetic location: 5q31.2.
Variant type: single nucleotide variant.
Coding change: c.2691C>T on transcript NM_001903.5 (MANE Select); coding-DNA position 2691, C replaced by T.
Protein change: p.Leu897=; no amino-acid change (leucine 897 retained).
Molecular consequence: synonymous variant. On other transcripts: 3 prime UTR variant (5).
Genome position (GRCh38, 1-based): chr5:138,934,059, C>T. VCF-style: chr5-138934059-C-T. GRCh37 (hg19) VCF-style: chr5-138269748-C-T.
Other names: c.*236C>T (NM_001290307.3, NM_001324002.1, NM_001324003.1 and 2 more transcripts); c.2382C>T, p.Leu794= (NM_001290309.3); c.2322C>T, p.Leu774= (NM_001290310.3); c.1581C>T, p.Leu527= (NM_001290312.1, NM_001323987.1, NM_001323988.1 and 12 more transcripts); c.2691C>T, p.Leu897= (NM_001323982.2, NM_001323983.1, NM_001323984.2); c.2664C>T, p.Leu888= (NM_001323985.2); c.2598C>T, p.Leu866= (NM_001323986.2); c.1446C>T, p.Leu482= (NM_001324001.1); and 3 more.
Identifiers: ClinVar variation 1929167 (VCV001929167.6), dbSNP rs770665974, ClinGen allele CA3432282.

ClinVar aggregate classification (germline): Benign/Likely benign. Review status: criteria provided, multiple submitters, no conflicts (2 of 4 stars). 2 submissions from 2 submitters: Benign (1); Likely benign (1). Last evaluated 2025-08-01.

Conditions:
Hereditary diffuse gastric adenocarcinoma (HDGC). Also called: DIFFUSE GASTRIC AND LOBULAR BREAST CANCER SYNDROME. Identifiers: Orphanet 26106, MedGen C1708349, MONDO:0007648, OMIM 137215.

Allele frequency attached by ClinVar (database versions not stated): gnomAD exomes below 0.00001; ExAC 0.00001.
gnomAD v4.1: 1 of 1,613,266 alleles (0.000062%); highest among the groups gnomAD compares: Non-Finnish European, 0.000085%; no homozygotes.

Submissions (2):

Labcorp Genetics (formerly Invitae), Labcorp
Classification: Likely benign. Last evaluated: 2025-08-01. Review status: criteria provided, single submitter. Criteria: Invitae Variant Classification Sherloc (09022015). Collection method: clinical testing. Allele origin: germline.

Myriad Genetics, Inc.
Classification: Benign for Hereditary diffuse gastric adenocarcinoma. Last evaluated: 2024-10-15. Review status: criteria provided, single submitter. Criteria: Myriad Autosomal Dominant, Autosomal Recessive and X-Linked Classification Criteria (2023). Collection method: clinical testing. Allele origin: unknown.
Comment: This variant is considered benign. This variant is a silent/synonymous amino acid change and it is not expected to impact splicing.